The following is an entry in ClinVar:

NM_005356.5(LCK):c.1300G>T (p.Val434Phe)

Gene: LCK (LCK proto-oncogene, Src family tyrosine kinase; plus strand). Cytogenetic location: 1p35.2.
Variant type: single nucleotide variant.
Coding change: c.1300G>T on transcript NM_005356.5 (MANE Select); coding-DNA position 1300, G replaced by T.
Protein change: p.Val434Phe; replaces valine 434 with phenylalanine.
Molecular consequence: missense variant.
Genome position (GRCh38, 1-based): chr1:32,280,183, G>T. VCF-style: chr1-32280183-G-T. GRCh37 (hg19) VCF-style: chr1-32745784-G-T.
Other names: c.1300G>T, p.Val434Phe (NM_001042771.3); c.1147G>T, p.Val383Phe (NM_001330468.2); c.1300G>T (NM_005356.3); short protein forms V383F, V434F.
Identifiers: ClinVar variation 848364 (VCV000848364.11), dbSNP rs758824898, ClinGen allele CA741331.

ClinVar aggregate classification (germline): Uncertain significance. Review status: criteria provided, multiple submitters, no conflicts (2 of 4 stars). 3 submissions from 3 submitters: Uncertain significance (3). Last evaluated 2025-06-13.

Conditions:
Severe combined immunodeficiency due to LCK deficiency. Also called: Immunodeficiency 22. Identifiers: Orphanet 280142, MedGen C4014233, MONDO:0014334, OMIM 615758.

Allele frequency attached by ClinVar (database versions not stated): gnomAD exomes below 0.00001; ExAC 0.00001; TOPMed 0.00001.
gnomAD v4.1: 28 of 1,614,096 alleles (0.0017%); highest among the groups gnomAD compares: Non-Finnish European, 0.0023%; no homozygotes.

Submissions (3):

Ambry Genetics
Classification: Uncertain significance. Last evaluated: 2025-06-13. Review status: criteria provided, single submitter. Criteria: Ambry Variant Classification Scheme 2023. Collection method: clinical testing. Allele origin: germline.

Blueprint Genetics
Classification: Uncertain significance. Last evaluated: 2021-09-20. Review status: criteria provided, single submitter. Criteria: ACMG Guidelines, 2015. Collection method: clinical testing. Allele origin: germline.

Labcorp Genetics (formerly Invitae), Labcorp
Classification: Uncertain significance for Severe combined immunodeficiency due to LCK deficiency. Last evaluated: 2019-02-23. Review status: criteria provided, single submitter. Criteria: Invitae Variant Classification Sherloc (09022015). Collection method: clinical testing. Allele origin: germline.
Comment: This sequence change replaces valine with phenylalanine at codon 434 of the LCK protein (p.Val434Phe). The valine residue is highly conserved and there is a small physicochemical difference between valine and phenylalanine. This variant is present in population databases (rs758824898, ExAC 0.009%). This variant has not been reported in the literature in individuals with LCK-related conditions. Algorithms developed to predict the effect of missense changes on protein structure and function (SIFT, PolyPhen-2, Align-GVGD) all suggest that this variant is likely to be disruptive, but these predictions have not been confirmed by published functional studies and their clinical significance is uncertain. In summary, the available evidence is currently insufficient to determine the role of this variant in disease. Therefore, it has been classified as a Variant of Uncertain Significance.